The following is an entry in ClinVar:

NM_017950.4(CCDC40):c.985G>T (p.Val329Leu)

Gene: CCDC40 (coiled-coil domain 40 molecular ruler complex subunit; plus strand). Cytogenetic location: 17q25.3.
Variant type: single nucleotide variant.
Coding change: c.985G>T on transcript NM_017950.4 (MANE Select); coding-DNA position 985, G replaced by T.
Protein change: p.Val329Leu; replaces valine 329 with leucine.
Molecular consequence: missense variant.
Genome position (GRCh38, 1-based): chr17:80,050,109, G>T. VCF-style: chr17-80050109-G-T. GRCh37 (hg19) VCF-style: chr17-78023908-G-T.
Other names: c.985G>T, p.Val329Leu (NM_001243342.2, NM_001330508.2); short protein forms V329L.
Identifiers: ClinVar variation 1350155 (VCV001350155.8), dbSNP rs745445950, ClinGen allele CA8813642.

ClinVar aggregate classification (germline): Uncertain significance (1 of 4 stars; one submission).

Conditions:
Primary ciliary dyskinesia. Also called: Ciliary dyskinesia. Identifiers: Orphanet 244, MedGen C0008780, MONDO:0016575, HP:0012265.

gnomAD v4.1: 2 of 1,614,016 alleles (0.00012%); highest among the groups gnomAD compares: Non-Finnish European, 0.00017%; no homozygotes.

Submission:

Labcorp Genetics (formerly Invitae), Labcorp
Classification: Uncertain significance for Primary ciliary dyskinesia. Last evaluated: 2021-04-29. Review status: criteria provided, single submitter. Criteria: Invitae Variant Classification Sherloc (09022015). Collection method: clinical testing. Allele origin: germline.
Comment: In summary, the available evidence is currently insufficient to determine the role of this variant in disease. Therefore, it has been classified as a Variant of Uncertain Significance. Algorithms developed to predict the effect of missense changes on protein structure and function are either unavailable or do not agree on the potential impact of this missense change (SIFT: "Tolerated"; PolyPhen-2: "Possibly Damaging"; Align-GVGD: "Class C0"). This variant has not been reported in the literature in individuals with CCDC40-related conditions. This variant is present in population databases (rs745445950, ExAC 0.002%). This sequence change replaces valine with leucine at codon 329 of the CCDC40 protein (p.Val329Leu). The valine residue is highly conserved and there is a small physicochemical difference between valine and leucine.